The following is an entry in ClinVar:

ClinVar aggregate classification (germline): Likely benign (1 of 4 stars; one submission).

gnomAD v4.1: 41 of 1,612,170 alleles (0.0025%); highest among the groups gnomAD compares: African/African-American, 0.029%; no homozygotes.

Submission:

CeGaT Center for Human Genetics Tuebingen
Classification: Likely benign. Last evaluated: 2025-06-01. Review status: criteria provided, single submitter. Criteria: CeGaT Center For Human Genetics Tuebingen Variant Classification Criteria Version 2. Collection method: clinical testing. Allele origin: germline. Affected: yes. Observed: 1 variant allele.
Comment: HK3: BP4, BP7

NM_002115.3(HK3):c.2103C>T (p.Gly701=)

Gene: HK3 (hexokinase 3; minus strand). Cytogenetic location: 5q35.2.
Variant type: single nucleotide variant.
Coding change: c.2103C>T on transcript NM_002115.3 (MANE Select); coding-DNA position 2103, C replaced by T.
Protein change: p.Gly701=; no amino-acid change (glycine 701 retained).
Molecular consequence: synonymous variant.
Genome position (GRCh38, 1-based): chr5:176,882,078, G>A on the plus strand (C>T on the coding strand, the complement: HK3 is on the minus strand). VCF-style: chr5-176882078-G-A. GRCh37 (hg19) VCF-style: chr5-176309079-G-A.
Identifiers: ClinVar variation 4083944 (VCV004083944.8).
Genomic context (GRCh38, chr5:176,882,078, plus strand): 5'-ATCGTCCCCAAAGGCGCCCCACTCCATGTTGATGCACATGCGGCCTGAGTCCCCAGGCAC[G>A]CCCGCCACATTCCGGAGCTCCTCCATGTAGCAGGCATTGGTGCCGGTTCCTGCAGAGAGG-3'
Protein context (NP_002106.2, residues 691-711): CYMEELRNVA[Gly701=]VPGDSGRMCI